The following is an entry in ClinVar:

ClinVar aggregate classification (germline): Likely pathogenic (1 of 4 stars; one submission).

Conditions:
Dilated cardiomyopathy 1G (CMD1G). Identifiers: Orphanet 154, MedGen C1858763, MONDO:0011400, OMIM 604145.
Autosomal recessive limb-girdle muscular dystrophy type 2J (LGMDR10). Also called: Limb-girdle muscular dystrophy, type 2J; MUSCULAR DYSTROPHY, LIMB-GIRDLE, AUTOSOMAL RECESSIVE 10. Identifiers: Orphanet 140922, MedGen C1837342, MONDO:0012127, OMIM 608807.

Submission:

Labcorp Genetics (formerly Invitae), Labcorp
Classification: Likely pathogenic for Dilated cardiomyopathy 1G; Autosomal recessive limb-girdle muscular dystrophy type 2J. Last evaluated: 2022-10-25. Review status: criteria provided, single submitter. Criteria: Invitae Variant Classification Sherloc (09022015). Collection method: clinical testing. Allele origin: germline.
Comment: In summary, the currently available evidence indicates that the variant is pathogenic, but additional data are needed to prove that conclusively. Therefore, this variant has been classified as Likely Pathogenic. This variant is located in the A band of TTN (PMID: 25589632). Truncating variants in this region are significantly overrepresented in patients affected with dilated cardiomyopathy (PMID: 25589632). Truncating variants in this region have also been reported in individuals affected with autosomal recessive centronuclear myopathy (PMID: 23975875). ClinVar contains an entry for this variant (Variation ID: 1066165). This variant has not been reported in the literature in individuals affected with TTN-related conditions. This variant is not present in population databases (gnomAD no frequency). This sequence change creates a premature translational stop signal (p.Phe24906Lysfs*39) in the TTN gene. While this is not anticipated to result in nonsense mediated decay, it is expected to create a truncated TTN protein.

Literature cited by the submitters: PubMed 25589632; PubMed 23975875.

NM_001267550.2(TTN):c.74716_74719del (p.Phe24906fs)

Genes: TTN (titin; minus strand), TTN-AS1 (TTN antisense RNA 1; plus strand). Cytogenetic location: 2q31.2.
Variant type: Deletion.
Coding change: c.74716_74719del on transcript NM_001267550.2 (MANE Select); coding-DNA positions 74716 to 74719, 4 bases deleted (TTCA; older notation c.74716_74719delTTCA).
Protein change: p.Phe24906fs; shifts the reading frame from phenylalanine 24906.
Molecular consequence: frameshift variant. On other transcripts: non-coding transcript variant (1).
Genome position (GRCh38, 1-based): chr2:178,571,413-178,571,416, TGAA deleted on the plus strand (TTCA on the coding strand, the reverse complement: TTN is on the minus strand); deleting any 4 consecutive bases within chr2:178,571,413-178,571,418 gives the same sequence; the c. name uses the placement nearest the transcript's 3' end. VCF-style (leftmost placement, unchanged base first): chr2-178571412-TTGAA-T. GRCh37 (hg19) VCF-style: chr2-179436139-TTGAA-T.
Other names: c.69793_69796del, p.Phe23265fs (NM_001256850.1); c.47521_47524del, p.Phe15841fs (NM_003319.4); c.67012_67015del, p.Phe22338fs (NM_133378.4); c.47896_47899del, p.Phe15966fs (NM_133432.3); c.48097_48100del, p.Phe16033fs (NM_133437.4); short protein forms F15841fs, F15966fs, F16033fs, F22338fs, F23265fs, F24906fs.
Identifiers: ClinVar variation 1066165 (VCV001066165.9), dbSNP rs2154169290, ClinGen allele CA2499215361.